The following is an entry in ClinVar:

NM_018847.4(KLHL9):c.1648G>A (p.Val550Ile)

Gene: KLHL9 (kelch like family member 9; minus strand). Cytogenetic location: 9p21.3.
Variant type: single nucleotide variant.
Coding change: c.1648G>A on transcript NM_018847.4 (MANE Select); coding-DNA position 1648, G replaced by A.
Protein change: p.Val550Ile; replaces valine 550 with isoleucine.
Molecular consequence: missense variant.
Genome position (GRCh38, 1-based): chr9:21,333,212, C>T on the plus strand (G>A on the coding strand, the complement: KLHL9 is on the minus strand). VCF-style: chr9-21333212-C-T. GRCh37 (hg19) VCF-style: chr9-21333211-C-T.
Other names: short protein forms V550I.
Identifiers: ClinVar variation 2083589 (VCV002083589.4), dbSNP rs1820205196, ClinGen allele CA373067330.

ClinVar aggregate classification (germline): Uncertain significance (1 of 4 stars; one submission).

Allele frequency attached by ClinVar (database versions not stated): gnomAD 0.00001.

Submission:

Labcorp Genetics (formerly Invitae), Labcorp
Classification: Uncertain significance. Last evaluated: 2022-03-13. Review status: criteria provided, single submitter. Criteria: Invitae Variant Classification Sherloc (09022015). Collection method: clinical testing. Allele origin: germline.
Comment: This sequence change replaces valine, which is neutral and non-polar, with isoleucine, which is neutral and non-polar, at codon 550 of the KLHL9 protein (p.Val550Ile). In summary, the available evidence is currently insufficient to determine the role of this variant in disease. Therefore, it has been classified as a Variant of Uncertain Significance. Algorithms developed to predict the effect of missense changes on protein structure and function are either unavailable or do not agree on the potential impact of this missense change (SIFT: "Not Available"; PolyPhen-2: "Benign"; Align-GVGD: "Not Available"). This variant has not been reported in the literature in individuals affected with KLHL9-related conditions. This variant is not present in population databases (gnomAD no frequency).